The following is an entry in ClinVar:

ClinVar aggregate classification (germline): Uncertain significance (1 of 4 stars; one submission).

Conditions:
Cardiovascular phenotype. Identifiers: MedGen CN230736.

gnomAD v4.1: 2 of 1,496,002 alleles (0.00013%); no homozygotes.

Submission:

Ambry Genetics
Classification: Uncertain significance for Cardiovascular phenotype. Last evaluated: 2024-04-16. Review status: criteria provided, single submitter. Criteria: Ambry Variant Classification Scheme 2023. Collection method: clinical testing. Allele origin: germline.
Comment: The p.N1059D variant (also known as c.3175A>G), located in coding exon 1 of the ZNF469 gene, results from an A to G substitution at nucleotide position 3175. The asparagine at codon 1059 is replaced by aspartic acid, an amino acid with highly similar properties. This amino acid position is conserved. In addition, this alteration is predicted to be tolerated by in silico analysis. Based on the available evidence, the clinical significance of this variant remains unclear.

NM_001367624.2(ZNF469):c.3175A>G (p.Asn1059Asp)

Genes: ZNF469 (zinc finger protein 469; plus strand), LOC130059718 (ATAC-STARR-seq lymphoblastoid silent region 7847; plus strand). Cytogenetic location: 16q24.2.
Variant type: single nucleotide variant.
Coding change: c.3175A>G on transcript NM_001367624.2 (MANE Select); coding-DNA position 3175, A replaced by G.
Protein change: p.Asn1059Asp; replaces asparagine 1059 with aspartic acid.
Molecular consequence: missense variant.
Genome position (GRCh38, 1-based): chr16:88,430,645, A>G. VCF-style: chr16-88430645-A-G. GRCh37 (hg19) VCF-style: chr16-88497053-A-G.
Other names: NM_001127464.1:c.3175A>G; short protein forms N1059D.
Identifiers: ClinVar variation 3258242 (VCV003258242.1).